The following is an entry in ClinVar:

NM_001252102.2(KIF21B):c.3923C>G (p.Thr1308Ser)

Gene: KIF21B (kinesin family member 21B; minus strand). Cytogenetic location: 1q32.1.
Variant type: single nucleotide variant.
Coding change: c.3923C>G on transcript NM_001252102.2 (MANE Select); coding-DNA position 3923, C replaced by G.
Protein change: p.Thr1308Ser; replaces threonine 1308 with serine.
Molecular consequence: missense variant.
Genome position (GRCh38, 1-based): chr1:200,981,016, G>C on the plus strand (C>G on the coding strand, the complement: KIF21B is on the minus strand). VCF-style: chr1-200981016-G-C. GRCh37 (hg19) VCF-style: chr1-200950144-G-C.
Other names: c.3923C>G, p.Thr1308Ser (NM_001252100.2); c.3884C>G, p.Thr1295Ser (NM_001252103.2, NM_017596.4); short protein forms T1308S, T1295S.
Identifiers: ClinVar variation 5009952 (VCV005009952.1).

ClinVar aggregate classification (germline): Uncertain significance (1 of 4 stars; one submission).

Submission:

GeneDx
Classification: Uncertain significance. Last evaluated: 2026-02-24. Review status: criteria provided, single submitter. Criteria: GeneDx Variant Classification Process June 2021. Collection method: clinical testing. Allele origin: germline.
Comment: Not observed at significant frequency in large population cohorts (gnomAD); In silico analysis suggests that this missense variant does not alter protein structure/function; Has not been previously published as pathogenic or benign to our knowledge